The following is an entry in ClinVar:

ClinVar aggregate classification (germline): Uncertain significance (1 of 4 stars; one submission).

Conditions:
Myofibrillar myopathy 3 (MFM3). Also called: Autosomal dominant spheroid body myopathy; Muscular dystrophy, proximal, type 1A. Identifiers: Orphanet 266, Orphanet 268129, MedGen C3714934, MONDO:0012215, OMIM 609200.

gnomAD v4.1: 1 of 1,533,834 alleles (0.000065%); highest among the groups gnomAD compares: Non-Finnish European, 0.00009%; no homozygotes.

Submission:

Labcorp Genetics (formerly Invitae), Labcorp
Classification: Uncertain significance for Myofibrillar myopathy 3. Last evaluated: 2025-04-23. Review status: criteria provided, single submitter. Criteria: Invitae Variant Classification Sherloc (09022015). Collection method: clinical testing. Allele origin: germline.
Comment: This sequence change falls in intron 7 of the MYOT gene. It does not directly change the encoded amino acid sequence of the MYOT protein. This variant is not present in population databases (gnomAD no frequency). This variant has not been reported in the literature in individuals affected with MYOT-related conditions. Algorithms developed to predict the effect of sequence changes on RNA splicing suggest that this variant may disrupt the consensus splice site. In summary, the available evidence is currently insufficient to determine the role of this variant in disease. Therefore, it has been classified as a Variant of Uncertain Significance.

NM_006790.3(MYOT):c.1025-10T>G

Genes: PKD2L2-DT (PKD2L2 divergent transcript; minus strand), MYOT (myotilin; plus strand). Cytogenetic location: 5q31.2.
Variant type: single nucleotide variant.
Coding change: c.1025-10T>G on transcript NM_006790.3 (MANE Select); 10 bases into the intron before coding-DNA position 1025, T replaced by G.
Molecular consequence: intron variant.
Genome position (GRCh38, 1-based): chr5:137,886,038, T>G. VCF-style: chr5-137886038-T-G. GRCh37 (hg19) VCF-style: chr5-137221727-T-G.
Other names: c.680-10T>G (NM_001300911.2); c.473-10T>G (NM_001135940.2).
Identifiers: ClinVar variation 4748209 (VCV004748209.1).